The following is an entry in ClinVar:

NM_030667.3(PTPRO):c.2712-2del

Gene: PTPRO (protein tyrosine phosphatase receptor type O; plus strand). Cytogenetic location: 12p12.3.
Variant type: Deletion.
Coding change: c.2712-2del on transcript NM_030667.3 (MANE Select); the canonical splice acceptor site of the intron before coding-DNA position 2712, one base deleted (A; older notation c.2712-2delA).
Molecular consequence: splice acceptor variant.
Genome position (GRCh38, 1-based): chr12:15,565,591, A deleted. VCF-style (leftmost placement, unchanged base first): chr12-15565590-CA-C. GRCh37 (hg19) VCF-style: chr12-15718524-CA-C.
Other names: c.2628-2del (NM_002848.4); c.279-2del (NM_030671.3, NM_030669.3); c.195-2del (NM_030670.3, NM_030668.3).
Identifiers: ClinVar variation 1068336 (VCV001068336.7), dbSNP rs2135595547, ClinGen allele CA2499221572.
Genomic context (GRCh38, chr12:15,565,590, plus strand): 5'-TAATTATTATGTTAATCAATTCTTCTGCCCAGATAAATTTGTCTTTTCTTTTTTAATTAT[CA>C]GGAGTAAAAATGGTTTAAAGAAGAGGAAACTGACAAAGTAAGTTTTTCTTACTATGTCAT-3'

ClinVar aggregate classification (germline): Likely pathogenic (1 of 4 stars; one submission).

Submission:

Labcorp Genetics (formerly Invitae), Labcorp
Classification: Likely pathogenic. Last evaluated: 2017-11-17. Review status: criteria provided, single submitter. Criteria: Invitae Variant Classification Sherloc (09022015). Collection method: clinical testing. Allele origin: germline.
Comment: In summary, the currently available evidence indicates that the variant is pathogenic, but additional data are needed to prove that conclusively. Therefore, this variant has been classified as Likely Pathogenic. Donor and acceptor splice site variants typically lead to a loss of protein function (PMID: 16199547), and loss-of-function variants in PTPRO are known to be pathogenic (PMID: 21722858). This variant has not been reported in the literature in individuals with PTPRO-related disease. This variant is not present in population databases (ExAC no frequency). This sequence change affects an acceptor splice site in intron 17 of the PTPRO gene. It is expected to disrupt RNA splicing and likely results in an absent or disrupted protein product.

Literature cited by the submitters: PubMed 16199547; PubMed 21722858.